The following is an entry in ClinVar:

NM_000238.4(KCNH2):c.1751G>T (p.Gly584Val)

Gene: KCNH2 (potassium voltage-gated channel subfamily H member 2; minus strand). Cytogenetic location: 7q36.1.
Variant type: single nucleotide variant.
Coding change: c.1751G>T on transcript NM_000238.4 (MANE Select); coding-DNA position 1751, G replaced by T.
Protein change: p.Gly584Val; replaces glycine 584 with valine.
Molecular consequence: missense variant.
Genome position (GRCh38, 1-based): chr7:150,951,642, C>A on the plus strand (G>T on the coding strand, the complement: KCNH2 is on the minus strand). VCF-style: chr7-150951642-C-A. GRCh37 (hg19) VCF-style: chr7-150648730-C-A.
Other names: c.1751G>T (LRG_288t1); c.731G>T, p.Gly244Val (NM_001204798.2, NM_172057.3); c.1463G>T, p.Gly488Val (NM_001406753.1, NM_001406756.1); c.1574G>T, p.Gly525Val (NM_001406755.1); c.1451G>T, p.Gly484Val (NM_001406757.1); c.1751G>T, p.Gly584Val (NM_172056.3); short protein forms G244V, G584V, G484V, G488V, G525V.
Identifiers: ClinVar variation 67264 (VCV000067264.3), dbSNP rs199473429, ClinGen allele CA005395.

ClinVar aggregate classification (germline): not provided (0 of 4 stars; one submission).

Conditions:
Familial long QT syndrome (RWS). Also called: Congenital long QT syndrome; Romano-Ward syndrome; VENTRICULAR FIBRILLATION WITH PROLONGED QT INTERVAL. Identifiers: Orphanet 768, MedGen C1141890, MONDO:0019171.

Submission:

Cardiovascular Biomedical Research Unit, Royal Brompton & Harefield NHS Foundation Trust
No classification provided. Condition: Familial long QT syndrome. Review status: no classification provided. Collection method: literature only. Allele origin: germline.
Comment: This variant has been reported as associated with Long QT syndrome in the following publications (PMID:18752142). This is a literature report, and does not necessarily reflect the clinical interpretation of the Imperial College / Royal Brompton Cardiovascular Genetics laboratory.

Literature cited by the submitters: PubMed 18752142; PubMed 22581653.